The following is an entry in ClinVar:

ClinVar aggregate classification (germline): Uncertain significance. Review status: criteria provided, multiple submitters, no conflicts (2 of 4 stars). 3 submissions from 3 submitters: Uncertain significance (3). Last evaluated 2025-08-30.

Conditions:
Muscular dystrophy-dystroglycanopathy (congenital with brain and eye anomalies), type A, 7. Also called: WALKER-WARBURG SYNDROME OR MUSCLE-EYE-BRAIN DISEASE, ISPD-RELATED; Congenital muscular dystrophy-dystroglycanopathy with brain and eye anomalies, type A7. Identifiers: Orphanet 899, MedGen C3553330, MONDO:0013835, OMIM 614643.
Autosomal recessive limb-girdle muscular dystrophy type 2U. Also called: Muscular dystrophy-dystroglycanopathy (limb-girdle), type c, 7; MUSCULAR DYSTROPHY, LIMB-GIRDLE, TYPE 2U. Identifiers: Orphanet 352479, MedGen C5190987, MONDO:0014474, OMIM 616052.

Allele frequency attached by ClinVar (database versions not stated): ExAC 0.00001; TOPMed 0.00003; gnomAD 0.00004; gnomAD exomes 0.00005 and 0.00012.
gnomAD v4.1: 178 of 1,613,724 alleles (0.011%); highest among the groups gnomAD compares: Non-Finnish European, 0.015%; no homozygotes.

Submissions (3):

Ambry Genetics
Classification: Uncertain significance. Last evaluated: 2025-08-30. Review status: criteria provided, single submitter. Criteria: Ambry Variant Classification Scheme 2023. Collection method: clinical testing. Allele origin: germline.

Labcorp Genetics (formerly Invitae), Labcorp
Classification: Uncertain significance for Muscular dystrophy-dystroglycanopathy (congenital with brain and eye anomalies), type A, 7; Autosomal recessive limb-girdle muscular dystrophy type 2U. Last evaluated: 2022-08-23. Review status: criteria provided, single submitter. Criteria: Invitae Variant Classification Sherloc (09022015). Collection method: clinical testing. Allele origin: germline.
Comment: This sequence change replaces glutamic acid, which is acidic and polar, with lysine, which is basic and polar, at codon 103 of the ISPD protein (p.Glu103Lys). This variant is present in population databases (rs775902619, gnomAD 0.01%). This variant has not been reported in the literature in individuals affected with ISPD-related conditions. ClinVar contains an entry for this variant (Variation ID: 282644). Algorithms developed to predict the effect of missense changes on protein structure and function are either unavailable or do not agree on the potential impact of this missense change (SIFT: "Deleterious"; PolyPhen-2: "Possibly Damaging"; Align-GVGD: "Class C15"). In summary, the available evidence is currently insufficient to determine the role of this variant in disease. Therefore, it has been classified as a Variant of Uncertain Significance.

Eurofins Ntd Llc (ga)
Classification: Uncertain significance. Last evaluated: 2015-08-18. Review status: criteria provided, single submitter. Criteria: EGL Classification Definitions 2015. Collection method: clinical testing. Allele origin: germline. Observed: 1 variant allele, 1 heterozygote.

NM_001101426.4(CRPPA):c.307G>A (p.Glu103Lys)

Gene: CRPPA (CDP-L-ribitol pyrophosphorylase A; minus strand). Cytogenetic location: 7p21.2.
Variant type: single nucleotide variant.
Coding change: c.307G>A on transcript NM_001101426.4 (MANE Select); coding-DNA position 307, G replaced by A.
Protein change: p.Glu103Lys; replaces glutamic acid 103 with lysine.
Molecular consequence: missense variant. On other transcripts: non-coding transcript variant (1).
Genome position (GRCh38, 1-based): chr7:16,406,288, C>T on the plus strand (G>A on the coding strand, the complement: CRPPA is on the minus strand). VCF-style: chr7-16406288-C-T. GRCh37 (hg19) VCF-style: chr7-16445913-C-T.
Other names: c.307G>A, p.Glu103Lys (NM_001101417.4, NM_001368197.1); short protein forms E103K.
Identifiers: ClinVar variation 282644 (VCV000282644.10), dbSNP rs775902619, ClinGen allele CA4169636.